The following is an entry in ClinVar:

NM_000233.4(LHCGR):c.1703C>T (p.Ala568Val)

Genes: STON1-GTF2A1L (STON1-GTF2A1L readthrough; plus strand), LHCGR (luteinizing hormone/choriogonadotropin receptor; minus strand). Cytogenetic location: 2p16.3.
Variant type: single nucleotide variant.
Coding change: c.1703C>T on transcript NM_000233.4 (MANE Select); coding-DNA position 1703, C replaced by T.
Protein change: p.Ala568Val; replaces alanine 568 with valine.
Molecular consequence: missense variant. On other transcripts: intron variant (1).
Genome position (GRCh38, 1-based): chr2:48,688,094, G>A on the plus strand (C>T on the coding strand, the complement: LHCGR is on the minus strand). VCF-style: chr2-48688094-G-A. GRCh37 (hg19) VCF-style: chr2-48915233-G-A.
Other names: c.3441+16414G>A (NM_001198593.2); c.1703C>T (NM_000233.3); short protein forms A568V.
Identifiers: ClinVar variation 14407 (VCV000014407.2), dbSNP rs121912534, ClinGen allele CA123933.
Genomic context (GRCh38, chr2:48,688,094, plus strand): 5'-AAAAAAGAGATAGGTGCCATGCAGGTGAAATCGGTGAAGATGAGGATTGCCATTTTCTTA[G>A]CAATCTTTGTATCTTTATTGGTAGCCATTAATTCTGGGTTTCGAACTGCAAAATAAATTT-3'
Protein context (NP_000224.2, residues 558-578): LMATNKDTKI[Ala568Val]KKMAILIFTD

ClinVar aggregate classification (germline): Pathogenic. Review status: criteria provided, single submitter (1 of 4 stars). 2 submissions from 2 submitters: Pathogenic (1). 1 of the submissions does not count toward it. Last evaluated 2022-02-02.

Conditions:
Gonadotropin-independent familial sexual precocity. Also called: TESTOTOXICOSIS, FAMILIAL; Familial male-limited precocious puberty. Identifiers: Orphanet 3000, MedGen C0342549, MONDO:0008303, OMIM 176410.

Submissions (2):

Victorian Clinical Genetics Services, Murdoch Childrens Research Institute
Classification: Pathogenic for Gonadotropin-independent familial sexual precocity. Last evaluated: 2022-02-02. Review status: criteria provided, single submitter. Criteria: ACMG Guidelines, 2015. Collection method: clinical testing. Allele origin: germline. Inheritance: Autosomal dominant inheritance. Affected: yes.
Comment: Based on the classification scheme VCGS_Germline_v1.3.4, this variant is classified as Pathogenic. Following criteria are met: 0103 - Loss of function and gain of function are known mechanisms of disease in this gene and are associated with Leydig cell hypoplasia (MIM#238320) and precocious puberty, male, (MIM#176410); respectively (Huhtaniemi 2018). (I) 0108 - This gene is associated with both recessive and dominant disease. Variants associated with autosomal dominant condition are mostly located within the sixth transmembrane domain and C-terminal region of the third intracellular loop (Huhtaniemi 2018). (I) 0115 - Variants in this gene are known to have variable expressivity. Loss-of-function variants associated with Leydig cell hypoplasia (MIM#238320) can result in variable clinical severity (Huhtaniemi 2018). (I) 0200 - Variant is predicted to result in a missense amino acid change from alanine to valine. (I) 0251 - This variant is heterozygous. (I) 0301 - Variant is absent from gnomAD (both v2 and v3). (SP) 0309 - An alternative amino acid change at the same position has been observed in gnomAD (v3: 1 heterozygote, 0 homozygotes). (I) 0502 - Missense variant with conflicting in silico predictions and uninformative conservation. (I) 0602 - Variant is located in a hotspot region or cluster of pathogenic variants (DECIPHER). (SP) 0705 - No comparable missense variants have previous evidence for pathogenicity. (I) 0802 - This variant has moderate previous evidence of pathogenicity in unrelated individuals. It has been identified in at least three males with precocious puberty, two of whom were heterozygotes. (SP) 0905 - No published segregation evidence has been identified for this variant. (I) 1002 - This variant has moderate functional evidence supporting abnormal protein function. In vitro assays demonstrated increased in cAMP levels with expression of mutant protein (PMID: 7629248). (SP) 1208 - Inheritance information for this variant is not currently available in this individual. (I) Legend: (SP) - Supporting pathogenic, (I) - Information, (SB) - Supporting benign

OMIM
Classification: Pathogenic for PRECOCIOUS PUBERTY, MALE-LIMITED. Last evaluated: 2000-12-01. Review status: no assertion criteria provided. Collection method: literature only. Allele origin: germline. Not counted in ClinVar's aggregate classification.

Literature cited by the submitters: PubMed 7629248 (cited by Victorian Clinical Genetics Services, Murdoch Childrens Research Institute); PubMed 11134146 (cited by Victorian Clinical Genetics Services, Murdoch Childrens Research Institute and OMIM).